The following is an entry in ClinVar:

NM_001267550.2(TTN):c.106382C>T (p.Thr35461Ile)

Genes: TTN (titin; minus strand), TTN-AS1 (TTN antisense RNA 1; plus strand). Cytogenetic location: 2q31.2.
Variant type: single nucleotide variant.
Coding change: c.106382C>T on transcript NM_001267550.2 (MANE Select); coding-DNA position 106382, C replaced by T.
Protein change: p.Thr35461Ile; replaces threonine 35461 with isoleucine.
Molecular consequence: missense variant.
Genome position (GRCh38, 1-based): chr2:178,530,109, G>A on the plus strand (C>T on the coding strand, the complement: TTN is on the minus strand). VCF-style: chr2-178530109-G-A. GRCh37 (hg19) VCF-style: chr2-179394836-G-A.
Other names: c.101459C>T, p.Thr33820Ile (NM_001256850.1); c.79187C>T, p.Thr26396Ile (NM_003319.4); c.98678C>T, p.Thr32893Ile (NM_133378.4); c.79562C>T, p.Thr26521Ile (NM_133432.3); c.79763C>T, p.Thr26588Ile (NM_133437.4); short protein forms T26396I, T26521I, T26588I, T32893I, T33820I, T35461I.
Identifiers: ClinVar variation 3755486 (VCV003755486.2).

ClinVar aggregate classification (germline): Uncertain significance (1 of 4 stars; one submission).

Conditions:
Dilated cardiomyopathy 1G (CMD1G). Identifiers: Orphanet 154, MedGen C1858763, MONDO:0011400, OMIM 604145.
Autosomal recessive limb-girdle muscular dystrophy type 2J (LGMDR10). Also called: Limb-girdle muscular dystrophy, type 2J; MUSCULAR DYSTROPHY, LIMB-GIRDLE, AUTOSOMAL RECESSIVE 10. Identifiers: Orphanet 140922, MedGen C1837342, MONDO:0012127, OMIM 608807.

gnomAD v4.1: 2 of 1,595,670 alleles (0.00013%); highest among the groups gnomAD compares: South Asian, 0.0012%; no homozygotes.

Submission:

Labcorp Genetics (formerly Invitae), Labcorp
Classification: Uncertain significance for Dilated cardiomyopathy 1G; Autosomal recessive limb-girdle muscular dystrophy type 2J. Last evaluated: 2025-08-23. Review status: criteria provided, single submitter. Criteria: Invitae Variant Classification Sherloc (09022015). Collection method: clinical testing. Allele origin: germline.
Comment: This sequence change replaces threonine, which is neutral and polar, with isoleucine, which is neutral and non-polar, at codon 35461 of the TTN protein (p.Thr35461Ile). This variant is present in population databases (rs773250184, gnomAD 0.004%). This variant has not been reported in the literature in individuals affected with TTN-related conditions. ClinVar contains an entry for this variant (Variation ID: 3755486). An algorithm developed to predict the effect of missense changes on protein structure and function outputs the following: PolyPhen-2: "Not Available". The isoleucine amino acid residue is found in multiple mammalian species, which suggests that this missense change does not adversely affect protein function. This variant is located in the M band of TTN (PMID: 25589632). Non-truncating variants in this region may be relevant for neuromuscular disorders, but have not been definitively shown to cause cardiomyopathy (PMID: 23975875). In summary, the available evidence is currently insufficient to determine the role of this variant in disease. Therefore, it has been classified as a Variant of Uncertain Significance.

Literature cited by the submitters: PubMed 25589632; PubMed 23975875.